The following is an entry in ClinVar:

NM_173477.5(USH1G):c.452C>G (p.Ala151Gly)

Gene: USH1G (USH1 protein network component sans; minus strand). Cytogenetic location: 17q25.1.
Variant type: single nucleotide variant.
Coding change: c.452C>G on transcript NM_173477.5 (MANE Select); coding-DNA position 452, C replaced by G.
Protein change: p.Ala151Gly; replaces alanine 151 with glycine.
Molecular consequence: missense variant.
Genome position (GRCh38, 1-based): chr17:74,920,384, G>C on the plus strand (C>G on the coding strand, the complement: USH1G is on the minus strand). VCF-style: chr17-74920384-G-C. GRCh37 (hg19) VCF-style: chr17-72916479-G-C.
Other names: c.143C>G, p.Ala48Gly (NM_001282489.3); short protein forms A151G, A48G.
Identifiers: ClinVar variation 956677 (VCV000956677.9), dbSNP rs1224075566, ClinGen allele CA400965316.

ClinVar aggregate classification (germline): Uncertain significance (1 of 4 stars; one submission).

Allele frequency attached by ClinVar (database versions not stated): TOPMed below 0.00001.
gnomAD v4.1: 8 of 1,613,008 alleles (0.0005%); highest among the groups gnomAD compares: Non-Finnish European, 0.00068%; no homozygotes.

Submission:

Labcorp Genetics (formerly Invitae), Labcorp
Classification: Uncertain significance. Last evaluated: 2021-08-02. Review status: criteria provided, single submitter. Criteria: Invitae Variant Classification Sherloc (09022015). Collection method: clinical testing. Allele origin: germline.
Comment: ClinVar contains an entry for this variant (Variation ID: 956677). In summary, the available evidence is currently insufficient to determine the role of this variant in disease. Therefore, it has been classified as a Variant of Uncertain Significance. Algorithms developed to predict the effect of missense changes on protein structure and function are either unavailable or do not agree on the potential impact of this missense change (SIFT: "Not Available"; PolyPhen-2: "Benign"; Align-GVGD: "Not Available"). This variant has not been reported in the literature in individuals affected with USH1G-related conditions. This variant is not present in population databases (ExAC no frequency). This sequence change replaces alanine with glycine at codon 151 of the USH1G protein (p.Ala151Gly). The alanine residue is moderately conserved and there is a small physicochemical difference between alanine and glycine.